The following is an entry in ClinVar:

ClinVar aggregate classification (germline): Benign/Likely benign. Review status: criteria provided, multiple submitters, no conflicts (2 of 4 stars). 5 submissions from 5 submitters: Benign (1); Likely benign (4). Last evaluated 2025-12-23.

Conditions:
Hereditary cancer-predisposing syndrome. Also called: Tumor predisposition; Neoplastic Syndromes, Hereditary; Hereditary Cancer Syndrome; Hereditary neoplastic syndrome. Identifiers: Orphanet 140162, MedGen C0027672, MeSH D009386, MONDO:0015356.
Ataxia-telangiectasia syndrome (AT). Also called: Cerebello-oculocutaneous telangiectasia; Immunodeficiency with ataxia telangiectasia; ATAXIA-TELANGIECTASIA, COMPLEMENTATION GROUP A; Ataxia-telangiectasia, complementation group D; AT, COMPLEMENTATION GROUP C; ATAXIA-TELANGIECTASIA, FRESNO VARIANT. Identifiers: Orphanet 100, MedGen C0004135, MONDO:0008840, OMIM 208900.
Familial cancer of breast. Also called: BREAST CANCER, FAMILIAL; Hereditary breast cancer; hereditary breast carcinoma. Identifiers: Orphanet 227535, MedGen C0346153, MONDO:0016419, OMIM 114480. Disease mechanism: loss of function.

Allele frequency attached by ClinVar (database versions not stated): gnomAD exomes below 0.00001; TOPMed below 0.00001; gnomAD 0.00002.

Submissions (5):

Labcorp Genetics (formerly Invitae), Labcorp
Classification: Likely benign for Ataxia-telangiectasia syndrome. Last evaluated: 2025-12-23. Review status: criteria provided, single submitter. Criteria: Invitae Variant Classification Sherloc (09022015). Collection method: clinical testing. Allele origin: germline.

Myriad Genetics, Inc.
Classification: Benign for Familial cancer of breast. Last evaluated: 2024-05-02. Review status: criteria provided, single submitter. Criteria: Myriad Autosomal Dominant, Autosomal Recessive and X-Linked Classification Criteria (2023). Collection method: clinical testing. Allele origin: unknown.
Comment: This variant is considered benign. This variant is a silent/synonymous amino acid change and it is not expected to impact splicing.

GeneDx
Classification: Likely benign. Last evaluated: 2021-05-05. Review status: criteria provided, single submitter. Criteria: GeneDx Variant Classification Process June 2021. Collection method: clinical testing. Allele origin: germline. Affected: yes.

Ambry Genetics
Classification: Likely benign for Hereditary cancer-predisposing syndrome. Last evaluated: 2017-05-11. Review status: criteria provided, single submitter. Criteria: Ambry Variant Classification Scheme 2023. Collection method: clinical testing. Allele origin: germline.

Color Diagnostics, LLC DBA Color Health
Classification: Likely benign for Hereditary cancer-predisposing syndrome. Last evaluated: 2016-07-26. Review status: criteria provided, single submitter. Criteria: ACMG Guidelines, 2015. Collection method: clinical testing. Allele origin: germline.

NM_000051.4(ATM):c.1947A>G (p.Glu649=)

Gene: ATM (ATM serine/threonine kinase; plus strand). Cytogenetic location: 11q22.3.
Variant type: single nucleotide variant.
Coding change: c.1947A>G on transcript NM_000051.4 (MANE Select); coding-DNA position 1947, A replaced by G.
Protein change: p.Glu649=; no amino-acid change (glutamic acid 649 retained).
Molecular consequence: synonymous variant.
Genome position (GRCh38, 1-based): chr11:108,253,862, A>G. VCF-style: chr11-108253862-A-G. GRCh37 (hg19) VCF-style: chr11-108124589-A-G.
Other names: c.1947A>G, p.Glu649= (NM_001351834.2).
Identifiers: ClinVar variation 478931 (VCV000478931.20), dbSNP rs1032244771, ClinGen allele CA228393512.